The following is an entry in ClinVar:

NM_173598.6(KSR2):c.1422C>T (p.Ser474=)

Gene: KSR2 (kinase suppressor of ras 2; minus strand). Cytogenetic location: 12q24.22.
Variant type: single nucleotide variant.
Coding change: c.1422C>T on transcript NM_173598.6 (MANE Select); coding-DNA position 1422, C replaced by T.
Protein change: p.Ser474=; no amino-acid change (serine 474 retained).
Molecular consequence: synonymous variant.
Genome position (GRCh38, 1-based): chr12:117,555,265, G>A on the plus strand (C>T on the coding strand, the complement: KSR2 is on the minus strand). VCF-style: chr12-117555265-G-A. GRCh37 (hg19) VCF-style: chr12-117993070-G-A.
Identifiers: ClinVar variation 3057861 (VCV003057861.2), dbSNP rs749112950, ClinGen allele CA6816018.

ClinVar aggregate classification (germline): Likely benign (0 of 4 stars; one submission).

Conditions:
KSR2-related disorder. Also called: KSR2-related condition.

Allele frequency attached by ClinVar (database versions not stated): TOPMed 0.00003; gnomAD 0.00013; gnomAD exomes 0.00014; ExAC 0.00036.
gnomAD v4.1: 232 of 1,613,806 alleles (0.014%); highest among the groups gnomAD compares: Non-Finnish European, 0.0074%; 1 homozygote.

Submission:

PreventionGenetics, part of Exact Sciences
Classification: Likely benign for KSR2-related condition. Last evaluated: 2019-03-29. Review status: no assertion criteria provided. Collection method: clinical testing. Allele origin: germline.
Comment: This variant is classified as likely benign based on ACMG/AMP sequence variant interpretation guidelines (Richards et al. 2015 PMID: 25741868, with internal and published modifications).